The following is an entry in ClinVar:

ClinVar aggregate classification (germline): Uncertain significance (1 of 4 stars; one submission).

gnomAD v4.1: 22 of 1,613,600 alleles (0.0014%); highest among the groups gnomAD compares: African/African-American, 0.008%; no homozygotes.

Submission:

Labcorp Genetics (formerly Invitae), Labcorp
Classification: Uncertain significance. Last evaluated: 2024-07-25. Review status: criteria provided, single submitter. Criteria: Invitae Variant Classification Sherloc (09022015). Collection method: clinical testing. Allele origin: germline.
Comment: This sequence change replaces alanine, which is neutral and non-polar, with threonine, which is neutral and polar, at codon 135 of the ADNP protein (p.Ala135Thr). This variant is present in population databases (rs202035157, gnomAD 0.007%). This variant has not been reported in the literature in individuals affected with ADNP-related conditions. An algorithm developed to predict the effect of missense changes on protein structure and function outputs the following: PolyPhen-2: "Benign". The threonine amino acid residue is found in multiple mammalian species, which suggests that this missense change does not adversely affect protein function. In summary, the available evidence is currently insufficient to determine the role of this variant in disease. Therefore, it has been classified as a Variant of Uncertain Significance.

NM_001282531.3(ADNP):c.403G>A (p.Ala135Thr)

Gene: ADNP (activity dependent neuroprotector homeobox; minus strand). Cytogenetic location: 20q13.13.
Variant type: single nucleotide variant.
Coding change: c.403G>A on transcript NM_001282531.3 (MANE Select); coding-DNA position 403, G replaced by A.
Protein change: p.Ala135Thr; replaces alanine 135 with threonine.
Molecular consequence: missense variant.
Genome position (GRCh38, 1-based): chr20:50,894,311, C>T on the plus strand (G>A on the coding strand, the complement: ADNP is on the minus strand). VCF-style: chr20-50894311-C-T. GRCh37 (hg19) VCF-style: chr20-49510848-C-T.
Other names: c.403G>A, p.Ala135Thr (NM_001282532.2, NM_001347511.2, NM_015339.5 and 1 more transcripts); short protein forms A135T.
Identifiers: ClinVar variation 3698926 (VCV003698926.2).